The following is an entry in ClinVar:

ClinVar aggregate classification (germline): Uncertain significance (1 of 4 stars; one submission).

Allele frequency attached by ClinVar (database versions not stated): gnomAD exomes below 0.00001; ExAC 0.00001; gnomAD 0.00001; TOPMed 0.00003; ESP Exome Variant Server 0.00008.
gnomAD v4.1: 4 of 1,614,074 alleles (0.00025%); highest among the groups gnomAD compares: African/African-American, 0.0053%; no homozygotes.

Submission:

Labcorp Genetics (formerly Invitae), Labcorp
Classification: Uncertain significance. Last evaluated: 2022-05-19. Review status: criteria provided, single submitter. Criteria: Invitae Variant Classification Sherloc (09022015). Collection method: clinical testing. Allele origin: germline.
Comment: This sequence change replaces glutamic acid, which is acidic and polar, with alanine, which is neutral and non-polar, at codon 512 of the MYO5B protein (p.Glu512Ala). This variant is present in population databases (rs375197947, gnomAD 0.01%). This variant has not been reported in the literature in individuals affected with MYO5B-related conditions. Algorithms developed to predict the effect of missense changes on protein structure and function are either unavailable or do not agree on the potential impact of this missense change (SIFT: "Deleterious"; PolyPhen-2: "Probably Damaging"; Align-GVGD: "Class C0"). In summary, the available evidence is currently insufficient to determine the role of this variant in disease. Therefore, it has been classified as a Variant of Uncertain Significance.

NM_001080467.3(MYO5B):c.1535A>C (p.Glu512Ala)

Gene: MYO5B (myosin VB; minus strand). Cytogenetic location: 18q21.1.
Variant type: single nucleotide variant.
Coding change: c.1535A>C on transcript NM_001080467.3 (MANE Select); coding-DNA position 1535, A replaced by C.
Protein change: p.Glu512Ala; replaces glutamic acid 512 with alanine.
Molecular consequence: missense variant.
Genome position (GRCh38, 1-based): chr18:49,962,276, T>G on the plus strand (A>C on the coding strand, the complement: MYO5B is on the minus strand). VCF-style: chr18-49962276-T-G. GRCh37 (hg19) VCF-style: chr18-47488646-T-G.
Other names: short protein forms E512A.
Identifiers: ClinVar variation 2107414 (VCV002107414.4), dbSNP rs375197947, ClinGen allele CA8961505.